The following is an entry in ClinVar:

ClinVar aggregate classification (germline): Uncertain significance (1 of 4 stars; one submission).

Submission:

GeneDx
Classification: Uncertain significance. Last evaluated: 2023-05-30. Review status: criteria provided, single submitter. Criteria: GeneDx Variant Classification Process June 2021. Collection method: clinical testing. Allele origin: germline. Affected: yes.
Comment: Has not been previously published as pathogenic or benign to our knowledge; Not observed at significant frequency in large population cohorts (gnomAD); In silico analysis supports that this missense variant does not alter protein structure/function; Not located in the triple helical region, where the majority of pathogenic missense variants occur (Symoens et al., 2012; HGMD); This variant is associated with the following publications: (PMID: 22696272)

NM_000393.5(COL5A2):c.3806A>C (p.His1269Pro)

Gene: COL5A2 (collagen type V alpha 2 chain; minus strand). Cytogenetic location: 2q32.2.
Variant type: single nucleotide variant.
Coding change: c.3806A>C on transcript NM_000393.5 (MANE Select); coding-DNA position 3806, A replaced by C.
Protein change: p.His1269Pro; replaces histidine 1269 with proline.
Molecular consequence: missense variant.
Genome position (GRCh38, 1-based): chr2:189,039,391, T>G on the plus strand (A>C on the coding strand, the complement: COL5A2 is on the minus strand). VCF-style: chr2-189039391-T-G. GRCh37 (hg19) VCF-style: chr2-189904117-T-G.
Other names: short protein forms H1269P.
Identifiers: ClinVar variation 3361956 (VCV003361956.1).